The following is an entry in ClinVar:

NM_014633.5(CTR9):c.2572A>C (p.Lys858Gln)

Gene: CTR9 (CTR9 component of Paf1/RNA polymerase II complex; plus strand). Cytogenetic location: 11p15.4.
Variant type: single nucleotide variant.
Coding change: c.2572A>C on transcript NM_014633.5 (MANE Select); coding-DNA position 2572, A replaced by C.
Protein change: p.Lys858Gln; replaces lysine 858 with glutamine.
Molecular consequence: missense variant.
Genome position (GRCh38, 1-based): chr11:10,772,647, A>C. VCF-style: chr11-10772647-A-C. GRCh37 (hg19) VCF-style: chr11-10794194-A-C.
Other names: c.2500A>C, p.Lys834Gln (NM_001346279.2); short protein forms K858Q, K834Q.
Identifiers: ClinVar variation 2176073 (VCV002176073.4), dbSNP rs781480360, ClinGen allele CA5885354.

ClinVar aggregate classification (germline): Uncertain significance (1 of 4 stars; one submission).

Allele frequency attached by ClinVar (database versions not stated): TOPMed below 0.00001; ExAC 0.00001; gnomAD exomes 0.00001.

Submission:

Labcorp Genetics (formerly Invitae), Labcorp
Classification: Uncertain significance. Last evaluated: 2024-01-02. Review status: criteria provided, single submitter. Criteria: Invitae Variant Classification Sherloc (09022015). Collection method: clinical testing. Allele origin: germline.
Comment: This sequence change replaces lysine, which is basic and polar, with glutamine, which is neutral and polar, at codon 858 of the CTR9 protein (p.Lys858Gln). This variant is present in population databases (rs781480360, gnomAD 0.002%). This variant has not been reported in the literature in individuals affected with CTR9-related conditions. ClinVar contains an entry for this variant (Variation ID: 2176073). An algorithm developed to predict the effect of missense changes on protein structure and function (PolyPhen-2) suggests that this variant is likely to be tolerated. In summary, the available evidence is currently insufficient to determine the role of this variant in disease. Therefore, it has been classified as a Variant of Uncertain Significance.